The following is an entry in ClinVar:

NM_001013838.3(CARMIL2):c.731C>G (p.Ser244Ter)

Gene: CARMIL2 (capping protein regulator and myosin 1 linker 2; plus strand). Cytogenetic location: 16q22.1.
Variant type: single nucleotide variant.
Coding change: c.731C>G on transcript NM_001013838.3 (MANE Select); coding-DNA position 731, C replaced by G.
Protein change: p.Ser244Ter; replaces serine 244 with a stop codon.
Molecular consequence: nonsense.
Genome position (GRCh38, 1-based): chr16:67,647,342, C>G. VCF-style: chr16-67647342-C-G. GRCh37 (hg19) VCF-style: chr16-67681245-C-G.
Other names: c.731C>G, p.Ser244Ter (NM_001317026.3); short protein forms S244*.
Identifiers: ClinVar variation 620485 (VCV000620485.1), dbSNP rs751102649, ClinGen allele CA396332680.

ClinVar aggregate classification (germline): Likely pathogenic (1 of 4 stars; one submission).

Submission:

GeneDx
Classification: Likely pathogenic. Last evaluated: 2018-12-15. Review status: criteria provided, single submitter. Criteria: GeneDx Variant Classification (06012015). Collection method: clinical testing. Allele origin: germline. Affected: yes.
Comment: The S244X variant in the CARMIL2 gene has not been reported previously as a pathogenic variant nor as a benign variant, to our knowledge. This variant is predicted to cause loss of normal protein function either through protein truncation or nonsense-mediated mRNA decay. The S244X variant is not observed in large population cohorts (Lek et al., 2016). We interpret S244X as a likely pathogenic variant.